The following is an entry in ClinVar:

ClinVar aggregate classification (germline): Likely benign. Review status: criteria provided, multiple submitters, no conflicts (2 of 4 stars). 3 submissions from 3 submitters: Likely benign (3). Last evaluated 2026-04-01.

Allele frequency attached by ClinVar (database versions not stated): ESP Exome Variant Server 0.00008; gnomAD exomes 0.00009 and 0.00010; gnomAD 0.00010 and 0.00011; ExAC 0.00012; TOPMed 0.00013.

Submissions (3):

CeGaT Center for Human Genetics Tuebingen
Classification: Likely benign. Last evaluated: 2026-04-01. Review status: criteria provided, single submitter. Criteria: CeGaT Center For Human Genetics Tuebingen Variant Classification Criteria Version 2. Collection method: clinical testing. Allele origin: germline. Affected: yes. Observed: 2 variant alleles.
Comment: CFAP410: BP4, BP7

Labcorp Genetics (formerly Invitae), Labcorp
Classification: Likely benign. Last evaluated: 2025-10-21. Review status: criteria provided, single submitter. Criteria: Invitae Variant Classification Sherloc (09022015). Collection method: clinical testing. Allele origin: germline.

Blueprint Genetics
Classification: Likely benign. Last evaluated: 2024-11-22. Review status: criteria provided, single submitter. Criteria: ACMG Guidelines, 2015. Collection method: clinical testing. Allele origin: germline.

NM_004928.3(CFAP410):c.276G>A (p.Leu92=)

Gene: CFAP410 (cilia and flagella associated protein 410; minus strand). Cytogenetic location: 21q22.3.
Variant type: single nucleotide variant.
Coding change: c.276G>A on transcript NM_004928.3 (MANE Select); coding-DNA position 276, G replaced by A.
Protein change: p.Leu92=; no amino-acid change (leucine 92 retained).
Molecular consequence: synonymous variant.
Genome position (GRCh38, 1-based): chr21:44,333,130, C>T on the plus strand (G>A on the coding strand, the complement: CFAP410 is on the minus strand). VCF-style: chr21-44333130-C-T. GRCh37 (hg19) VCF-style: chr21-45753013-C-T.
Other names: c.276G>A, p.Leu92= (NM_001271440.2, NM_001271441.2); c.153G>A, p.Leu51= (NM_001271442.1).
Identifiers: ClinVar variation 1085912 (VCV001085912.14), dbSNP rs374507502, ClinGen allele CA10053743.